The following is an entry in ClinVar:

NM_016532.4(INPP5K):c.1077G>A (p.Pro359=)

Gene: INPP5K (inositol polyphosphate-5-phosphatase K; minus strand). Cytogenetic location: 17p13.3.
Variant type: single nucleotide variant.
Coding change: c.1077G>A on transcript NM_016532.4 (MANE Select); coding-DNA position 1077, G replaced by A.
Protein change: p.Pro359=; no amino-acid change (proline 359 retained).
Molecular consequence: synonymous variant.
Genome position (GRCh38, 1-based): chr17:1,496,690, C>T on the plus strand (G>A on the coding strand, the complement: INPP5K is on the minus strand). VCF-style: chr17-1496690-C-T. GRCh37 (hg19) VCF-style: chr17-1399984-C-T.
Other names: p.Pro359=; c.849G>A, p.Pro283= (NM_001135642.2, NM_130766.3).
Identifiers: ClinVar variation 710237 (VCV000710237.31), dbSNP rs61735267, ClinGen allele CA8268365.

ClinVar aggregate classification (germline): Benign/Likely benign. Review status: criteria provided, multiple submitters, no conflicts (2 of 4 stars). 5 submissions from 5 submitters: Benign (1); Likely benign (3). 1 of the submissions does not count toward it. Last evaluated 2026-08-01.

Conditions:
INPP5K-related disorder. Also called: INPP5K-related condition.

Allele frequency attached by ClinVar (database versions not stated): 1000 Genomes Project 0.00020; 1000 Genomes Project 30x 0.00031; gnomAD exomes 0.00087; ExAC 0.00088; gnomAD 0.00104 and 0.00105; TOPMed 0.00105; ESP Exome Variant Server 0.00146.
gnomAD v4.1: 2,598 of 1,614,200 alleles (0.16%); highest among the groups gnomAD compares: Non-Finnish European, 0.2%; 6 homozygotes.

Submissions (5):

CeGaT Center for Human Genetics Tuebingen
Classification: Likely benign. Last evaluated: 2026-08-01. Review status: criteria provided, single submitter. Criteria: CeGaT Center For Human Genetics Tuebingen Variant Classification Criteria Version 2. Collection method: clinical testing. Allele origin: germline. Affected: yes. Observed: 7 variant alleles.
Comment: INPP5K: BP4, BP7

Mayo Clinic Laboratories, Mayo Clinic
Classification: Benign. Last evaluated: 2025-02-27. Review status: criteria provided, single submitter. Criteria: ACMG Guidelines, 2015. Collection method: clinical testing. Allele origin: germline. Observed: 1 variant allele.
Comment: BS1, BS2, BP4, BP7

Blueprint Genetics
Classification: Likely benign. Last evaluated: 2024-11-25. Review status: criteria provided, single submitter. Criteria: ACMG Guidelines, 2015. Collection method: clinical testing. Allele origin: germline.

Labcorp Genetics (formerly Invitae), Labcorp
Classification: Likely benign. Last evaluated: 2019-12-31. Review status: criteria provided, single submitter. Criteria: Invitae Variant Classification Sherloc (09022015). Collection method: clinical testing. Allele origin: germline.

PreventionGenetics, part of Exact Sciences
Classification: Likely benign for INPP5K-related condition. Last evaluated: 2019-09-24. Review status: no assertion criteria provided. Collection method: clinical testing. Allele origin: germline. Not counted in ClinVar's aggregate classification.
Comment: This variant is classified as likely benign based on ACMG/AMP sequence variant interpretation guidelines (Richards et al. 2015 PMID: 25741868, with internal and published modifications).